The following is an entry in ClinVar:

NM_001122955.4(BSCL2):c.316C>T (p.Leu106Phe)

Genes: BSCL2 (BSCL2 lipid droplet biogenesis associated, seipin; minus strand), HNRNPUL2-BSCL2 (HNRNPUL2-BSCL2 readthrough (NMD candidate); minus strand). Cytogenetic location: 11q12.3.
Variant type: single nucleotide variant.
Coding change: c.316C>T on transcript NM_001122955.4 (MANE Select); coding-DNA position 316, C replaced by T.
Protein change: p.Leu106Phe; replaces leucine 106 with phenylalanine.
Molecular consequence: missense variant. On other transcripts: non-coding transcript variant (1).
Genome position (GRCh38, 1-based): chr11:62,705,389, G>A on the plus strand (C>T on the coding strand, the complement: BSCL2 is on the minus strand). VCF-style: chr11-62705389-G-A. GRCh37 (hg19) VCF-style: chr11-62472861-G-A.
Other names: c.124C>T, p.Leu42Phe (NM_001130702.2, NM_032667.6); c.316C>T, p.Leu106Phe (NM_001386027.1, NM_001386028.1); short protein forms L106F, L42F.
Identifiers: ClinVar variation 4808955 (VCV004808955.1).

ClinVar aggregate classification (germline): Uncertain significance (1 of 4 stars; one submission).

Conditions:
Charcot-Marie-Tooth disease type 2. Also called: Charcot-Marie-Tooth type 2. Identifiers: Orphanet 64746, MedGen C0270914, MONDO:0018993.

Submission:

Labcorp Genetics (formerly Invitae), Labcorp
Classification: Uncertain significance for Charcot-Marie-Tooth disease type 2. Last evaluated: 2025-09-08. Review status: criteria provided, single submitter. Criteria: Invitae Variant Classification Sherloc (09022015). Collection method: clinical testing. Allele origin: germline.
Comment: This sequence change replaces leucine, which is neutral and non-polar, with phenylalanine, which is neutral and non-polar, at codon 42 of the BSCL2 protein (p.Leu42Phe). This variant is not present in population databases (gnomAD no frequency). This variant has not been reported in the literature in individuals affected with BSCL2-related conditions. Invitae Evidence Modeling of protein sequence and biophysical properties (such as structural, functional, and spatial information, amino acid conservation, physicochemical variation, residue mobility, and thermodynamic stability) indicates that this missense variant is not expected to disrupt BSCL2 protein function with a negative predictive value of 80%. In summary, the available evidence is currently insufficient to determine the role of this variant in disease. Therefore, it has been classified as a Variant of Uncertain Significance.